The following is an entry in ClinVar:

ClinVar aggregate classification (germline): Uncertain significance (1 of 4 stars; one submission).

Allele frequency attached by ClinVar (database versions not stated): gnomAD exomes 0.00001; ExAC 0.00002; TOPMed 0.00002.
gnomAD v4.1: 7 of 1,609,658 alleles (0.00043%); highest among the groups gnomAD compares: Admixed American, 0.012%; no homozygotes.

Submission:

Labcorp Genetics (formerly Invitae), Labcorp
Classification: Uncertain significance. Last evaluated: 2023-07-07. Review status: criteria provided, single submitter. Criteria: Invitae Variant Classification Sherloc (09022015). Collection method: clinical testing. Allele origin: germline.
Comment: In summary, the available evidence is currently insufficient to determine the role of this variant in disease. Therefore, it has been classified as a Variant of Uncertain Significance. Variants that disrupt the consensus splice site are a relatively common cause of aberrant splicing (PMID: 17576681, 9536098). Algorithms developed to predict the effect of sequence changes on RNA splicing suggest that this variant is not likely to affect RNA splicing. ClinVar contains an entry for this variant (Variation ID: 2186151). This variant has not been reported in the literature in individuals affected with TRMT10A-related conditions. This variant is present in population databases (rs773245318, gnomAD 0.02%). This sequence change falls in intron 4 of the TRMT10A gene. It does not directly change the encoded amino acid sequence of the TRMT10A protein. It affects a nucleotide within the consensus splice site.

Literature cited by the submitters: PubMed 17576681; PubMed 9536098.

NM_001134665.3(TRMT10A):c.420+6T>C

Gene: TRMT10A (tRNA methyltransferase 10A; minus strand). Cytogenetic location: 4q23.
Variant type: single nucleotide variant.
Coding change: c.420+6T>C on transcript NM_001134665.3 (MANE Select); 6 bases into the intron after coding-DNA position 420, T replaced by C.
Molecular consequence: intron variant.
Genome position (GRCh38, 1-based): chr4:99,557,339, A>G on the plus strand (T>C on the coding strand, the complement: TRMT10A is on the minus strand). VCF-style: chr4-99557339-A-G. GRCh37 (hg19) VCF-style: chr4-100478496-A-G.
Other names: c.420+6T>C (NM_001134666.3, NM_001375882.1, NM_001375881.1 and 2 more transcripts).
Identifiers: ClinVar variation 2186151 (VCV002186151.2), dbSNP rs773245318, ClinGen allele CA3021536.